The following is an entry in ClinVar:

ClinVar aggregate classification (germline): Uncertain significance (1 of 4 stars; one submission).

Allele frequency attached by ClinVar (database versions not stated): TOPMed below 0.00001; gnomAD 0.00001.

Submission:

Labcorp Genetics (formerly Invitae), Labcorp
Classification: Uncertain significance. Last evaluated: 2022-07-26. Review status: criteria provided, single submitter. Criteria: Invitae Variant Classification Sherloc (09022015). Collection method: clinical testing. Allele origin: germline.
Comment: This variant has not been reported in the literature in individuals affected with DLL4-related conditions. ClinVar contains an entry for this variant (Variation ID: 1366510). Algorithms developed to predict the effect of missense changes on protein structure and function are either unavailable or do not agree on the potential impact of this missense change (SIFT: "Deleterious"; PolyPhen-2: "Probably Damaging"; Align-GVGD: "Class C0"). In summary, the available evidence is currently insufficient to determine the role of this variant in disease. Therefore, it has been classified as a Variant of Uncertain Significance. This sequence change replaces tyrosine, which is neutral and polar, with cysteine, which is neutral and slightly polar, at codon 355 of the DLL4 protein (p.Tyr355Cys). This variant is not present in population databases (gnomAD no frequency).

NM_019074.4(DLL4):c.1064A>G (p.Tyr355Cys)

Gene: DLL4 (delta like canonical Notch ligand 4; plus strand). Cytogenetic location: 15q15.1.
Variant type: single nucleotide variant.
Coding change: c.1064A>G on transcript NM_019074.4 (MANE Select); coding-DNA position 1064, A replaced by G.
Protein change: p.Tyr355Cys; replaces tyrosine 355 with cysteine.
Molecular consequence: missense variant.
Genome position (GRCh38, 1-based): chr15:40,934,941, A>G. VCF-style: chr15-40934941-A-G. GRCh37 (hg19) VCF-style: chr15-41227139-A-G.
Other names: short protein forms Y355C.
Identifiers: ClinVar variation 1366510 (VCV001366510.8), dbSNP rs866827922, ClinGen allele CA269592051.